The following is an entry in ClinVar:

ClinVar aggregate classification (germline): Benign/Likely benign. Review status: criteria provided, multiple submitters, no conflicts (2 of 4 stars). 3 submissions from 3 submitters: Benign (1); Likely benign (2). Last evaluated 2025-06-01.

Allele frequency attached by ClinVar (database versions not stated): gnomAD exomes 0.00002 and 0.00003; TOPMed 0.00002; ExAC 0.00003; gnomAD 0.00003; ESP Exome Variant Server 0.00009.
gnomAD v4.1: 29 of 1,207,422 alleles (0.0024%); highest among the groups gnomAD compares: Non-Finnish European, 0.0028%; no homozygotes.

Submissions (3):

Labcorp Genetics (formerly Invitae), Labcorp
Classification: Benign. Last evaluated: 2025-06-01. Review status: criteria provided, single submitter. Criteria: Invitae Variant Classification Sherloc (09022015). Collection method: clinical testing. Allele origin: germline.

CeGaT Center for Human Genetics Tuebingen
Classification: Likely benign. Last evaluated: 2023-02-01. Review status: criteria provided, single submitter. Criteria: CeGaT Center For Human Genetics Tuebingen Variant Classification Criteria Version 2. Collection method: clinical testing. Allele origin: germline. Affected: yes. Observed: 1 variant allele.
Comment: NEXMIF: BP4, BP7

Ambry Genetics
Classification: Likely benign. Last evaluated: 2017-07-21. Review status: criteria provided, single submitter. Criteria: Ambry Variant Classification Scheme 2023. Collection method: clinical testing. Allele origin: germline.

NM_001008537.3(NEXMIF):c.153G>A (p.Pro51=)

Gene: NEXMIF (neurite extension and migration factor; minus strand). Cytogenetic location: Xq13.3.
Variant type: single nucleotide variant.
Coding change: c.153G>A on transcript NM_001008537.3 (MANE Select); coding-DNA position 153, G replaced by A.
Protein change: p.Pro51=; no amino-acid change (proline 51 retained).
Molecular consequence: synonymous variant.
Genome position (GRCh38, 1-based): chrX:74,744,404, C>T on the plus strand (G>A on the coding strand, the complement: NEXMIF is on the minus strand). VCF-style: chrX-74744404-C-T. GRCh37 (hg19) VCF-style: chrX-73964239-C-T.
Identifiers: ClinVar variation 1166348 (VCV001166348.34), dbSNP rs147096194, ClinGen allele CA10455247.